The following is an entry in ClinVar:

ClinVar aggregate classification (germline): Uncertain significance (1 of 4 stars; one submission).

Conditions:
COG5-congenital disorder of glycosylation. Also called: COG5-CDG; CONGENITAL DISORDER OF GLYCOSYLATION, TYPE IIi; CDG IIi. Identifiers: Orphanet 263487, MedGen C3150876, MONDO:0013325, OMIM 613612.

Allele frequency attached by ClinVar (database versions not stated): ExAC 0.00002; TOPMed 0.00002; gnomAD 0.00004.
gnomAD v4.1: 24 of 1,613,804 alleles (0.0015%); highest among the groups gnomAD compares: Non-Finnish European, 0.002%; no homozygotes.

Submission:

Labcorp Genetics (formerly Invitae), Labcorp
Classification: Uncertain significance for COG5-congenital disorder of glycosylation. Last evaluated: 2022-09-28. Review status: criteria provided, single submitter. Criteria: Invitae Variant Classification Sherloc (09022015). Collection method: clinical testing. Allele origin: germline.
Comment: This variant has not been reported in the literature in individuals affected with COG5-related conditions. This variant is present in population databases (rs771068601, gnomAD 0.004%). This sequence change replaces leucine, which is neutral and non-polar, with isoleucine, which is neutral and non-polar, at codon 59 of the COG5 protein (p.Leu59Ile). Algorithms developed to predict the effect of missense changes on protein structure and function output the following: SIFT: "Tolerated"; PolyPhen-2: "Benign"; Align-GVGD: "Class C0". The isoleucine amino acid residue is found in multiple mammalian species, which suggests that this missense change does not adversely affect protein function. In summary, the available evidence is currently insufficient to determine the role of this variant in disease. Therefore, it has been classified as a Variant of Uncertain Significance.

NM_006348.5(COG5):c.82C>A (p.Leu28Ile)

Gene: COG5 (component of oligomeric golgi complex 5; minus strand). Cytogenetic location: 7q22.3.
Variant type: single nucleotide variant.
Coding change: c.82C>A on transcript NM_006348.5 (MANE Select); coding-DNA position 82, C replaced by A.
Protein change: p.Leu28Ile; replaces leucine 28 with isoleucine.
Molecular consequence: missense variant.
Genome position (GRCh38, 1-based): chr7:107,563,815, G>T on the plus strand (C>A on the coding strand, the complement: COG5 is on the minus strand). VCF-style: chr7-107563815-G-T. GRCh37 (hg19) VCF-style: chr7-107204260-G-T.
Other names: c.82C>A, p.Leu28Ile (NM_001161520.2, NM_001379511.1, NM_001379512.1 and 5 more transcripts); short protein forms L28I.
Identifiers: ClinVar variation 2149214 (VCV002149214.3), dbSNP rs771068601, ClinGen allele CA4431561.